The following is an entry in ClinVar:

ClinVar aggregate classification (germline): Likely benign. Review status: criteria provided, single submitter (1 of 4 stars). 2 submissions from 2 submitters: Likely benign (1). 1 of the submissions does not count toward it. Last evaluated 2024-11-26.

Conditions:
BTK-related disorder. Also called: BTK-related condition.

Allele frequency attached by ClinVar (database versions not stated): TOPMed 0.00012; gnomAD 0.00027; gnomAD exomes 0.00069; 1000 Genomes Project 30x 0.00208; 1000 Genomes Project 0.00212.
gnomAD v4.1: 398 of 659,447 alleles (0.06%); highest among the groups gnomAD compares: South Asian, 0.75%; 3 homozygotes.

Submissions (2):

Blueprint Genetics
Classification: Likely benign. Last evaluated: 2024-11-26. Review status: criteria provided, single submitter. Criteria: ACMG Guidelines, 2015. Collection method: clinical testing. Allele origin: germline.

PreventionGenetics, part of Exact Sciences
Classification: Likely benign for BTK-related condition. Last evaluated: 2021-04-16. Review status: no assertion criteria provided. Collection method: clinical testing. Allele origin: germline. Not counted in ClinVar's aggregate classification.
Comment: This variant is classified as likely benign based on ACMG/AMP sequence variant interpretation guidelines (Richards et al. 2015 PMID: 25741868, with internal and published modifications).

NM_000061.3(BTK):c.240+105C>T

Gene: BTK (Bruton tyrosine kinase; minus strand). Cytogenetic location: Xq22.1.
Variant type: single nucleotide variant.
Coding change: c.240+105C>T on transcript NM_000061.3 (MANE Select); 105 bases into the intron after coding-DNA position 240, C replaced by T.
Molecular consequence: intron variant.
Genome position (GRCh38, 1-based): chrX:101,374,431, G>A on the plus strand (C>T on the coding strand, the complement: BTK is on the minus strand). VCF-style: chrX-101374431-G-A. GRCh37 (hg19) VCF-style: chrX-100629419-G-A.
Other names: c.342+105C>T (NM_001287344.2); c.240+105C>T (NM_001287345.2).
Identifiers: ClinVar variation 3057788 (VCV003057788.3), dbSNP rs553290240, ClinGen allele CA333100513.